The following is an entry in ClinVar:

NM_000441.2(SLC26A4):c.*350C>T

Gene: SLC26A4 (solute carrier family 26 member 4; plus strand). Cytogenetic location: 7q22.3.
Variant type: single nucleotide variant.
Coding change: c.*350C>T on transcript NM_000441.2 (MANE Select); 350 bases downstream of the stop codon, C replaced by T.
Molecular consequence: 3 prime UTR variant.
Genome position (GRCh38, 1-based): chr7:107,715,796, C>T. VCF-style: chr7-107715796-C-T. GRCh37 (hg19) VCF-style: chr7-107356241-C-T.
Identifiers: ClinVar variation 912065 (VCV000912065.5), dbSNP rs17154362, ClinGen allele CA164232295.

ClinVar aggregate classification (germline): Conflicting classifications of pathogenicity. Review status: criteria provided, conflicting classifications (1 of 4 stars). 3 submissions from 2 submitters: Uncertain significance (1); Likely benign (2). Last evaluated 2021-09-04.

Conditions:
Pendred syndrome (PDS). Also called: DEAFNESS WITH GOITER; GOITER-DEAFNESS SYNDROME; HYPOTHYROIDISM, CONGENITAL, DUE TO DYSHORMONOGENESIS, 2B; THYROID DYSHORMONOGENESIS 2B; THYROID HORMONOGENESIS, GENETIC DEFECT IN, 2B; Pendred's syndrome. Identifiers: Orphanet 705, MedGen C0271829, MONDO:0010134, OMIM 274600.
Autosomal recessive nonsyndromic hearing loss 4 (DFNB4). Also called: Deafness, autosomal recessive 4, with enlarged vestibular aqueduct; FOXI1-Related Pendred Syndrome; KCNJ10-Related Pendred Syndrome; DEAFNESS, AUTOSOMAL RECESSIVE 4, WITH ENLARGED VESTIBULAR AQUEDUCT, DIGENIC; NEUROSENSORY NONSYNDROMIC RECESSIVE DEAFNESS 4; Deafness, autosomal recessive 4. Identifiers: Orphanet 90636, MedGen C3538946, MONDO:0010933, OMIM 600791.

Allele frequency attached by ClinVar (database versions not stated): gnomAD exomes 0.00307; 1000 Genomes Project 30x 0.00999; 1000 Genomes Project 0.01098; gnomAD 0.01169 and 0.01276; TOPMed 0.01322.
gnomAD v4.1: 2,283 of 316,458 alleles (0.72%); highest among the groups gnomAD compares: African/African-American, 3.9%; 32 homozygotes.

Submissions (3):

GeneDx
Classification: Likely benign. Last evaluated: 2021-09-04. Review status: criteria provided, single submitter. Criteria: GeneDx Variant Classification Process June 2021. Collection method: clinical testing. Allele origin: germline. Affected: yes.

Illumina Laboratory Services, Illumina
Classification: Uncertain significance for Autosomal recessive nonsyndromic hearing loss 4. Last evaluated: 2018-01-13. Review status: criteria provided, single submitter. Criteria: ICSL Variant Classification Criteria 13 December 2019. Collection method: clinical testing. Allele origin: germline.

Illumina Laboratory Services, Illumina
Classification: Likely benign for Pendred syndrome. Last evaluated: 2018-01-13. Review status: criteria provided, single submitter. Criteria: ICSL Variant Classification Criteria 13 December 2019. Collection method: clinical testing. Allele origin: germline.
Comment: This variant was observed in the ICSL laboratory as part of a predisposition screen in an ostensibly healthy population. It had not been previously curated by ICSL or reported in the Human Gene Mutation Database (HGMD: prior to June 1st, 2018), and was therefore a candidate for classification through an automated scoring system. Utilizing variant allele frequency, disease prevalence and penetrance estimates, and inheritance mode, an automated score was calculated to assess if this variant is too frequent to cause the disease. Based on the score and internal cut-off values, a variant classified as likely benign is not then subjected to further curation. The score for this variant resulted in a classification of likely benign for this disease.